The following is an entry in ClinVar:

NM_003722.5(TP63):c.139A>G (p.Asn47Asp)

Gene: TP63 (tumor protein p63; plus strand). Cytogenetic location: 3q28.
Variant type: single nucleotide variant.
Coding change: c.139A>G on transcript NM_003722.5 (MANE Select); coding-DNA position 139, A replaced by G.
Protein change: p.Asn47Asp; replaces asparagine 47 with aspartic acid.
Molecular consequence: missense variant.
Genome position (GRCh38, 1-based): chr3:189,737,816, A>G. VCF-style: chr3-189737816-A-G. GRCh37 (hg19) VCF-style: chr3-189455605-A-G.
Other names: c.139A>G, p.Asn47Asp (NM_001114978.2, NM_001114979.2, NM_001329144.2 and 1 more transcripts); c.133A>G, p.Asn45Asp (NM_001329964.2); short protein forms N47D, N45D.
Identifiers: ClinVar variation 2872737 (VCV002872737.2), dbSNP rs2474131944, ClinGen allele CA355858936.

ClinVar aggregate classification (germline): Uncertain significance (1 of 4 stars; one submission).

Conditions:
TP63-Related Spectrum Disorders.

Submission:

Labcorp Genetics (formerly Invitae), Labcorp
Classification: Uncertain significance. Last evaluated: 2024-05-06. Review status: criteria provided, single submitter. Criteria: Invitae Variant Classification Sherloc (09022015). Collection method: clinical testing. Allele origin: germline.
Comment: This sequence change replaces asparagine, which is neutral and polar, with aspartic acid, which is acidic and polar, at codon 47 of the TP63 protein (p.Asn47Asp). This variant is not present in population databases (gnomAD no frequency). This variant has not been reported in the literature in individuals affected with TP63-related conditions. Advanced modeling of protein sequence and biophysical properties (such as structural, functional, and spatial information, amino acid conservation, physicochemical variation, residue mobility, and thermodynamic stability) has been performed at Invitae for this missense variant, however the output from this modeling did not meet the statistical confidence thresholds required to predict the impact of this variant on TP63 protein function. In summary, the available evidence is currently insufficient to determine the role of this variant in disease. Therefore, it has been classified as a Variant of Uncertain Significance.